The following is an entry in ClinVar:

ClinVar aggregate classification (germline): Pathogenic. Review status: reviewed by expert panel (3 of 4 stars). 2 submissions from 2 submitters: Pathogenic (1). 1 of the submissions does not count toward it. Last evaluated 2026-10-30.

Conditions:
RPGR-related retinopathy. Also called: RPGR retinopathy. Identifiers: MedGen CN305589, MONDO:0100437.
X-linked cone-rod dystrophy 1 (CORDX1). Identifiers: Orphanet 1872, MedGen C1844776, MONDO:0010566, OMIM 304020.

Submissions (2):

ClinGen X-linked Inherited Retinal Disease Variant Curation Expert Panel, ClinGen
Classification: Pathogenic for RPGR-related retinopathy. Last evaluated: 2026-10-30. Review status: reviewed by expert panel. Criteria: ClinGen X LinkedIRD ACMG Specifications RPGR V1.0.0. Collection method: curation. Allele origin: germline. Inheritance: X-linked inheritance.
Comment: NM_001034853.2(RPGR):c.2929G>T (p.Gly977Ter) is a nonsense variant that introduces a premature stop codon in exon 15 of 15 that is predicted to disrupt a critical C-terminal region required for proper glutamylation of RPGR (PVS1, PMID: 36445968). This variant is absent from hemizygous individuals in gnomAD v4.1.2 (PM2_Supporting). The variant has been reported to segregate with retinal dystrophy through at least 3 affected meioses from 1 family. (PP1_Moderate; PMID: 15914600). At least one proband harboring this variant exhibits a phenotype including pedigree and family history consistent with X-linked inheritance (2 pts), absence of color vision (0.5 pts), reduced central visual acuity (0.5 pts), nyctalopia (0.5 pts), and an affected female family member with delayed or milder phenotype (1 pt), which together are specific for RPGR-related retinopathy (4.5 points, PMID: 15914600, PP4). This variant has been reported in at least 2 probands meeting the PS4 requirement of some functional vision impairment in affected males by age 30 years, with decreased or absent cone and/or rod electroretinogram responses (PMID: 15914600, PMID: 17962389, PMID: 23681342). However, 1 proband was not counted for this criterion because the individual was already used to apply the PP4 code. PS4_Supporting was approved to be used in cases where there are 2 probands where one was used for the PP4 code (PMID: 23681342, PS4_Supporting). In summary, this variant is classified as Pathogenic for RPGR-related retinopathy based on the ClinGen X-linked Inherited Retinal Disease Expert Panel Specifications to the ACMG/AMP Variant Interpretation Guidelines for RPGR Version 1.0.0: PVS1, PM2_Supporting, PP4, PS4_Supporting, and PP1_Moderate.

OMIM
Classification: Pathogenic for CONE-ROD DYSTROPHY, X-LINKED, 1. Last evaluated: 2005-06-01. Review status: no assertion criteria provided. Collection method: literature only. Allele origin: germline. Not counted in ClinVar's aggregate classification.

Literature cited by the submitters: PubMed 15914600 (cited by OMIM).

NM_001034853.2(RPGR):c.2929G>T (p.Gly977Ter)

Gene: RPGR (retinitis pigmentosa GTPase regulator; minus strand). Cytogenetic location: Xp11.4.
Variant type: single nucleotide variant.
Coding change: c.2929G>T on transcript NM_001034853.2 (MANE Select); coding-DNA position 2929, G replaced by T.
Protein change: p.Gly977Ter; replaces glycine 977 with a stop codon.
Molecular consequence: nonsense. On other transcripts: intron variant (8).
Genome position (GRCh38, 1-based): chrX:38,286,070, C>A on the plus strand (G>T on the coding strand, the complement: RPGR is on the minus strand). VCF-style: chrX-38286070-C-A. GRCh37 (hg19) VCF-style: chrX-38145323-C-A.
Other names: G392*; c.1569+4889G>T (NM_001367249.1, NM_001367250.1); c.1902+1024G>T (NM_001367245.1); c.1386+4889G>T (NM_001367251.1); c.1719+1024G>T (NM_001367246.1); c.1572+4889G>T (NM_001367247.1); c.1905+1024G>T (NM_000328.3); c.1602+4889G>T (NM_001367248.1); short protein forms G977*.
Identifiers: ClinVar variation 9918 (VCV000009918.2), dbSNP rs137852551, ClinGen allele CA120809.
Genomic context (GRCh38, chrX:38,286,070, plus strand): 5'-CTTCCCCTTCCTCCTCTTCCCCCTCCCCTTCTCCTTCCTCCTCTTCCCCCTCCCCTTCTC[C>A]TTCCTCCCCTTCCCCTTCTCCTTCCTCTTCCCCCTCCCCTTCTCCTTCCTCCTCTTCCCC-3'